The following is an entry in ClinVar:

ClinVar aggregate classification (germline): Uncertain significance. Review status: criteria provided, multiple submitters, no conflicts (2 of 4 stars). 2 submissions from 2 submitters: Uncertain significance (2). Last evaluated 2026-01-04.

Conditions:
Tietz syndrome (TADS). Also called: ALBINISM-DEAFNESS OF TIETZ; HYPOPIGMENTATION/DEAFNESS OF TIETZ; TIETZ ALBINISM-DEAFNESS SYNDROME. Identifiers: Orphanet 42665, MedGen C0391816, MONDO:0007077, OMIM 103500.
Waardenburg syndrome type 2A (WS2A). Also called: WAARDENBURG SYNDROME WITHOUT DYSTOPIA CANTHORUM. Identifiers: Orphanet 3440, MedGen C1860339, MONDO:0008671, OMIM 193510.
Melanoma, cutaneous malignant, susceptibility to, 8. Also called: MELANOMA AND RENAL CELL CARCINOMA, SUSCEPTIBILITY TO; Cutaneous malignant melanoma 8. Identifiers: Orphanet 293822, MedGen C3152204, MONDO:0013759, OMIM 614456.

Allele frequency attached by ClinVar (database versions not stated): TOPMed 0.00004.
gnomAD v4.1: 82 of 1,613,950 alleles (0.0051%); highest among the groups gnomAD compares: East Asian, 0.0089%; no homozygotes.

Submissions (2):

Labcorp Genetics (formerly Invitae), Labcorp
Classification: Uncertain significance for Melanoma, cutaneous malignant, susceptibility to, 8; Waardenburg syndrome type 2A; Tietz syndrome. Last evaluated: 2026-01-04. Review status: criteria provided, single submitter. Criteria: Invitae Variant Classification Sherloc (09022015). Collection method: clinical testing. Allele origin: germline.
Comment: This sequence change replaces glycine, which is neutral and non-polar, with glutamic acid, which is acidic and polar, at codon 371 of the MITF protein (p.Gly371Glu). This variant is present in population databases (rs200766286, gnomAD 0.07%). This variant has not been reported in the literature in individuals affected with MITF-related conditions. ClinVar contains an entry for this variant (Variation ID: 1975941). Invitae Evidence Modeling of protein sequence and biophysical properties (such as structural, functional, and spatial information, amino acid conservation, physicochemical variation, residue mobility, and thermodynamic stability) indicates that this missense variant is not expected to disrupt MITF protein function with a negative predictive value of 80%. In summary, the available evidence is currently insufficient to determine the role of this variant in disease. Therefore, it has been classified as a Variant of Uncertain Significance.

GeneDx
Classification: Uncertain significance. Last evaluated: 2024-05-06. Review status: criteria provided, single submitter. Criteria: GeneDx Variant Classification Process June 2021. Collection method: clinical testing. Allele origin: germline.
Comment: In silico analysis indicates that this missense variant does not alter protein structure/function; Has not been previously published as pathogenic or benign to our knowledge

NM_001354604.2(MITF):c.1433G>A (p.Gly478Glu)

Gene: MITF (melanocyte inducing transcription factor; plus strand). Cytogenetic location: 3p13.
Variant type: single nucleotide variant.
Coding change: c.1433G>A on transcript NM_001354604.2 (MANE Select); coding-DNA position 1433, G replaced by A.
Protein change: p.Gly478Glu; replaces glycine 478 with glutamic acid.
Molecular consequence: missense variant.
Genome position (GRCh38, 1-based): chr3:69,965,100, G>A. VCF-style: chr3-69965100-G-A. GRCh37 (hg19) VCF-style: chr3-70014251-G-A.
Other names: c.1112G>A, p.Gly371Glu (NM_000248.4); c.1259G>A, p.Gly420Glu (NM_001184967.2, NM_001354608.2); c.1430G>A, p.Gly477Glu (NM_001354605.2); c.1412G>A, p.Gly471Glu (NM_001354606.2, NM_006722.3); c.1364G>A, p.Gly455Glu (NM_001354607.2); c.1094G>A, p.Gly365Glu (NM_198158.3); c.1415G>A, p.Gly472Glu (NM_198159.3); c.1367G>A, p.Gly456Glu (NM_198177.3); and 1 more; short protein forms G365E, G455E, G420E, G478E, G472E, G309E, G371E, G456E.
Identifiers: ClinVar variation 1975941 (VCV001975941.7), dbSNP rs200766286, ClinGen allele CA2490667.
Genomic context (GRCh38, chr3:69,965,100, plus strand): 5'-ACAACAACCTCGGAACTGGGACTGAGGCCAACCAAGCCTATAGTGTCCCCACAAAAATGG[G>A]ATCCAAACTGGAAGACATCCTGATGGACGACACCCTTTCTCCCGTCGGTGTCACTGATCC-3'
Protein context (NP_001341533.1, residues 468-488): NQAYSVPTKM[Gly478Glu]SKLEDILMDD